The following is an entry in ClinVar:

ClinVar aggregate classification (germline): Uncertain significance (1 of 4 stars; one submission).

Conditions:
Cardiovascular phenotype. Identifiers: MedGen CN230736.

gnomAD v4.1: 1 of 1,612,704 alleles (0.000062%); highest among the groups gnomAD compares: African/African-American, 0.0013%; no homozygotes.

Submission:

Ambry Genetics
Classification: Uncertain significance for Cardiovascular phenotype. Last evaluated: 2019-03-04. Review status: criteria provided, single submitter. Criteria: Ambry Variant Classification Scheme 2023. Collection method: clinical testing. Allele origin: germline.
Comment: The p.G1339* variant (also known as c.4015G>T), located in coding exon 32 of the ABCC9 gene, results from a G to T substitution at nucleotide position 4015. This changes the amino acid from a glycine to a stop codon within coding exon 32. This alteration is expected to result in loss of function by premature protein truncation or nonsense-mediated mRNA decay. However, loss of function of ABCC9 has not been clearly established as a mechanism of disease. Since supporting evidence is limited at this time, the clinical significance of this alteration remains unclear.

NM_020297.4(ABCC9):c.4015G>T (p.Gly1339Ter)

Genes: ABCC9 (ATP binding cassette subfamily C member 9; minus strand), KCNJ8-AS1 (KCNJ8 antisense RNA 1; plus strand). Cytogenetic location: 12p12.1.
Variant type: single nucleotide variant.
Coding change: c.4015G>T on transcript NM_020297.4 (MANE Select); coding-DNA position 4015, G replaced by T.
Protein change: p.Gly1339Ter; replaces glycine 1339 with a stop codon.
Molecular consequence: nonsense.
Genome position (GRCh38, 1-based): chr12:21,815,771, C>A on the plus strand (G>T on the coding strand, the complement: ABCC9 is on the minus strand). VCF-style: chr12-21815771-C-A. GRCh37 (hg19) VCF-style: chr12-21968705-C-A.
Other names: c.4015G>T, p.Gly1339Ter (NM_001377273.1, NM_005691.4); c.3148G>T, p.Gly1050Ter (NM_001377274.1); short protein forms G1050*, G1339*.
Identifiers: ClinVar variation 1737057 (VCV001737057.2), dbSNP rs2540864160, ClinGen allele CA384136020.